The following is an entry in ClinVar:

NM_001367561.1(DOCK7):c.571T>A (p.Trp191Arg)

Gene: DOCK7 (dedicator of cytokinesis 7; minus strand). Cytogenetic location: 1p31.3.
Variant type: single nucleotide variant.
Coding change: c.571T>A on transcript NM_001367561.1 (MANE Select); coding-DNA position 571, T replaced by A.
Protein change: p.Trp191Arg; replaces tryptophan 191 with arginine.
Molecular consequence: missense variant.
Genome position (GRCh38, 1-based): chr1:62,648,267, A>T on the plus strand (T>A on the coding strand, the complement: DOCK7 is on the minus strand). VCF-style: chr1-62648267-A-T. GRCh37 (hg19) VCF-style: chr1-63113938-A-T.
Other names: c.571T>A, p.Trp191Arg (NM_001271999.2, NM_001272000.2, NM_001272001.2 and 3 more transcripts); short protein forms W191R.
Identifiers: ClinVar variation 2875105 (VCV002875105.3), dbSNP rs1481368289, ClinGen allele CA340627918.

ClinVar aggregate classification (germline): Uncertain significance (1 of 4 stars; one submission).

Conditions:
Developmental and epileptic encephalopathy, 23 (DEE23). Also called: Epileptic encephalopathy, early infantile, 23. Identifiers: Orphanet 411986, MedGen C4014492, MONDO:0014371, OMIM 615859.

Submission:

Labcorp Genetics (formerly Invitae), Labcorp
Classification: Uncertain significance for Developmental and epileptic encephalopathy, 23. Last evaluated: 2023-04-10. Review status: criteria provided, single submitter. Criteria: Invitae Variant Classification Sherloc (09022015). Collection method: clinical testing. Allele origin: germline.
Comment: In summary, the available evidence is currently insufficient to determine the role of this variant in disease. Therefore, it has been classified as a Variant of Uncertain Significance. Advanced modeling of protein sequence and biophysical properties (such as structural, functional, and spatial information, amino acid conservation, physicochemical variation, residue mobility, and thermodynamic stability) performed at Invitae indicates that this missense variant is not expected to disrupt DOCK7 protein function. This variant has not been reported in the literature in individuals affected with DOCK7-related conditions. This variant is not present in population databases (gnomAD no frequency). This sequence change replaces tryptophan, which is neutral and slightly polar, with arginine, which is basic and polar, at codon 191 of the DOCK7 protein (p.Trp191Arg).